The following is an entry in ClinVar:

ClinVar aggregate classification (germline): Uncertain significance (1 of 4 stars; one submission).

Conditions:
Congenital myasthenic syndrome 20. Also called: Myasthenic syndrome, congenital, 20, presynaptic. Identifiers: MedGen C4310694, MONDO:0014939, OMIM 617143.
Neuronopathy, distal hereditary motor, type 7A. Also called: HARPER-YOUNG MYOPATHY; HMN VIIA; Neuronopathy, distal hereditary motor, type viia; NEURONOPATHY, DISTAL HEREDITARY MOTOR, HARDING TYPE VIIA; NEUROPATHY, DISTAL HEREDITARY MOTOR, HARDING TYPE VIIA; SPINAL MUSCULAR ATROPHY, DISTAL, WITH VOCAL CORD PARALYSIS. Identifiers: Orphanet 139589, MedGen C1834703, MONDO:0008024, OMIM 158580.

Submission:

Labcorp Genetics (formerly Invitae), Labcorp
Classification: Uncertain significance for Neuronopathy, distal hereditary motor, type 7A; Congenital myasthenic syndrome 20. Last evaluated: 2023-03-16. Review status: criteria provided, single submitter. Criteria: Invitae Variant Classification Sherloc (09022015). Collection method: clinical testing. Allele origin: germline.
Comment: ClinVar contains an entry for this variant (Variation ID: 1020661). Advanced modeling of protein sequence and biophysical properties (such as structural, functional, and spatial information, amino acid conservation, physicochemical variation, residue mobility, and thermodynamic stability) performed at Invitae indicates that this missense variant is expected to disrupt SLC5A7 protein function. This sequence change replaces alanine, which is neutral and non-polar, with glutamic acid, which is acidic and polar, at codon 143 of the SLC5A7 protein (p.Ala143Glu). This variant is not present in population databases (gnomAD no frequency). This variant has not been reported in the literature in individuals affected with SLC5A7-related conditions. In summary, the available evidence is currently insufficient to determine the role of this variant in disease. Therefore, it has been classified as a Variant of Uncertain Significance.

NM_021815.5(SLC5A7):c.428C>A (p.Ala143Glu)

Gene: SLC5A7 (solute carrier family 5 member 7; plus strand). Cytogenetic location: 2q12.3.
Variant type: single nucleotide variant.
Coding change: c.428C>A on transcript NM_021815.5 (MANE Select); coding-DNA position 428, C replaced by A.
Protein change: p.Ala143Glu; replaces alanine 143 with glutamic acid.
Molecular consequence: missense variant. On other transcripts: 5 prime UTR variant (1).
Genome position (GRCh38, 1-based): chr2:107,993,107, C>A. VCF-style: chr2-107993107-C-A. GRCh37 (hg19) VCF-style: chr2-108609563-C-A.
Other names: c.428C>A, p.Ala143Glu (NM_001305005.3); c.113C>A, p.Ala38Glu (NM_001305006.3); c.-277C>A (NM_001305007.3); short protein forms A143E, A38E.
Identifiers: ClinVar variation 1020661 (VCV001020661.5), dbSNP rs1677517934, ClinGen allele CA348020962.